The following is an entry in ClinVar:

NM_025243.4(SLC19A3):c.624G>T (p.Lys208Asn)

Gene: SLC19A3 (solute carrier family 19 member 3; minus strand). Cytogenetic location: 2q36.3.
Variant type: single nucleotide variant.
Coding change: c.624G>T on transcript NM_025243.4 (MANE Select); coding-DNA position 624, G replaced by T.
Protein change: p.Lys208Asn; replaces lysine 208 with asparagine.
Molecular consequence: missense variant.
Genome position (GRCh38, 1-based): chr2:227,699,091, C>A on the plus strand (G>T on the coding strand, the complement: SLC19A3 is on the minus strand). VCF-style: chr2-227699091-C-A. GRCh37 (hg19) VCF-style: chr2-228563807-C-A.
Other names: c.624G>T, p.Lys208Asn (NM_001371411.1, NM_001371412.1); c.612G>T, p.Lys204Asn (NM_001371413.1, NM_001371414.1); short protein forms K204N, K208N.
Identifiers: ClinVar variation 1220169 (VCV001220169.11), dbSNP rs201274864, ClinGen allele CA2149255.

ClinVar aggregate classification (germline): Conflicting classifications of pathogenicity. Review status: criteria provided, conflicting classifications (1 of 4 stars). 3 submissions from 3 submitters: Uncertain significance (2); Likely benign (1). Last evaluated 2024-02-14.

Conditions:
Biotin-responsive basal ganglia disease (BTBGD). Also called: Thiamine Transporter-2 Deficiency; Thiamine metabolism dysfunction syndrome 2 (biotin- or thiamine-responsive encephalopathy type 2); thiamine-responsive encephalopathy; THIAMINE METABOLISM DYSFUNCTION SYNDROME 2 (BIOTIN- AND THIAMINE-RESPONSIVE TYPE); Thiamine metabolism dysfunction syndrome type 2. Identifiers: Orphanet 199348, Orphanet 65284, MedGen C1843807, MONDO:0011841, OMIM 607483.

Allele frequency attached by ClinVar (database versions not stated): gnomAD 0.00003; ExAC 0.00005; gnomAD exomes 0.00005; TOPMed 0.00006; 1000 Genomes Project 30x 0.00016; 1000 Genomes Project 0.00020.
gnomAD v4.1: 56 of 1,614,168 alleles (0.0035%); highest among the groups gnomAD compares: Non-Finnish European, 0.0019%; no homozygotes.

Submissions (3):

Labcorp Genetics (formerly Invitae), Labcorp
Classification: Likely benign for Biotin-responsive basal ganglia disease. Last evaluated: 2024-02-14. Review status: criteria provided, single submitter. Criteria: Invitae Variant Classification Sherloc (09022015). Collection method: clinical testing. Allele origin: germline.

Department of Pathology and Laboratory Medicine, Sinai Health System
Classification: Uncertain significance for Biotin-responsive basal ganglia disease. Last evaluated: 2022-08-19. Review status: criteria provided, single submitter. Criteria: ACMG Guidelines, 2015. Collection method: research. Allele origin: germline.

GeneDx
Classification: Uncertain significance. Last evaluated: 2021-10-14. Review status: criteria provided, single submitter. Criteria: GeneDx Variant Classification Process June 2021. Collection method: clinical testing. Allele origin: germline. Affected: yes.
Comment: In silico analysis supports that this missense variant does not alter protein structure/function; Has not been previously published as pathogenic or benign to our knowledge